The following is an entry in ClinVar:

ClinVar aggregate classification (germline): Uncertain significance. Review status: criteria provided, multiple submitters, no conflicts (2 of 4 stars). 2 submissions from 2 submitters: Uncertain significance (2). Last evaluated 2024-05-31.

Conditions:
Spermatogenic failure 72 (SPGF72). Identifiers: MedGen C5676980, MONDO:0030809, OMIM 619867.
Senior-Loken syndrome 8 (SLSN8). Identifiers: Orphanet 3156, MedGen C4225376, MONDO:0014579, OMIM 616307.
Nephronophthisis 13 (NPHP13). Identifiers: Orphanet 655, MedGen C3280612, MONDO:0013718, OMIM 614377.
Asphyxiating thoracic dystrophy 5 (SRTD5). Also called: SHORT-RIB THORACIC DYSPLASIA 5 WITH OR WITHOUT POLYDACTYLY; SHORT-RIB THORACIC DYSPLASIA 5 WITHOUT POLYDACTYLY. Identifiers: Orphanet 474, MedGen C3280598, MONDO:0013717, OMIM 614376.
Cranioectodermal dysplasia 4 (CED4). Identifiers: Orphanet 1515, MedGen C3280616, MONDO:0013719, OMIM 614378.

Allele frequency attached by ClinVar (database versions not stated): TOPMed 0.00003.

Submissions (2):

Fulgent Genetics
Classification: Uncertain significance for Asphyxiating thoracic dystrophy 5; Nephronophthisis 13; Cranioectodermal dysplasia 4; Senior-Loken syndrome 8; Spermatogenic failure 72. Last evaluated: 2024-05-31. Review status: criteria provided, single submitter. Criteria: ACMG Guidelines, 2015. Collection method: clinical testing. Allele origin: germline.

Labcorp Genetics (formerly Invitae), Labcorp
Classification: Uncertain significance for Senior-Loken syndrome 8; Asphyxiating thoracic dystrophy 5. Last evaluated: 2022-08-31. Review status: criteria provided, single submitter. Criteria: Invitae Variant Classification Sherloc (09022015). Collection method: clinical testing. Allele origin: germline.
Comment: Variants that disrupt the consensus splice site are a relatively common cause of aberrant splicing (PMID: 17576681, 9536098). Algorithms developed to predict the effect of sequence changes on RNA splicing suggest that this variant is not likely to affect RNA splicing. This sequence change falls in intron 21 of the WDR19 gene. It does not directly change the encoded amino acid sequence of the WDR19 protein. It affects a nucleotide within the consensus splice site. The frequency data for this variant in the population databases is considered unreliable, as metrics indicate poor data quality at this position in the gnomAD database. This variant has not been reported in the literature in individuals affected with WDR19-related conditions. ClinVar contains an entry for this variant (Variation ID: 1024519). In summary, the available evidence is currently insufficient to determine the role of this variant in disease. Therefore, it has been classified as a Variant of Uncertain Significance.

Literature cited by the submitters: PubMed 17576681 (cited by Labcorp Genetics (formerly Invitae), Labcorp); PubMed 9536098 (cited by Labcorp Genetics (formerly Invitae), Labcorp).

NM_025132.4(WDR19):c.2421+5C>A

Gene: WDR19 (WD repeat domain 19; plus strand). Cytogenetic location: 4p14.
Variant type: single nucleotide variant.
Coding change: c.2421+5C>A on transcript NM_025132.4 (MANE Select); 5 bases into the intron after coding-DNA position 2421, C replaced by A.
Molecular consequence: intron variant.
Genome position (GRCh38, 1-based): chr4:39,240,339, C>A. VCF-style: chr4-39240339-C-A. GRCh37 (hg19) VCF-style: chr4-39241959-C-A.
Other names: c.1941+5C>A (NM_001317924.2).
Identifiers: ClinVar variation 1024519 (VCV001024519.6), dbSNP rs563302411, ClinGen allele CA550719257.